The following is an entry in ClinVar:

NM_006012.4(CLPP):c.79C>T (p.His27Tyr)

Gene: CLPP (caseinolytic mitochondrial matrix peptidase proteolytic subunit; plus strand). Cytogenetic location: 19p13.3.
Variant type: single nucleotide variant.
Coding change: c.79C>T on transcript NM_006012.4 (MANE Select); coding-DNA position 79, C replaced by T.
Protein change: p.His27Tyr; replaces histidine 27 with tyrosine.
Molecular consequence: missense variant.
Genome position (GRCh38, 1-based): chr19:6,361,653, C>T. VCF-style: chr19-6361653-C-T. GRCh37 (hg19) VCF-style: chr19-6361664-C-T.
Other names: short protein forms H27Y.
Identifiers: ClinVar variation 4282055 (VCV004282055.1).

ClinVar aggregate classification (germline): Uncertain significance (1 of 4 stars; one submission).

gnomAD v4.1: 3 of 1,422,130 alleles (0.00021%); highest among the groups gnomAD compares: Non-Finnish European, 0.00028%; no homozygotes.

Submission:

GeneDx
Classification: Uncertain significance. Last evaluated: 2025-04-16. Review status: criteria provided, single submitter. Criteria: GeneDx Variant Classification Process June 2021. Collection method: clinical testing. Allele origin: germline. Affected: yes.
Comment: Not observed at significant frequency in large population cohorts (gnomAD); In silico analysis indicates that this missense variant does not alter protein structure/function; Has not been previously published as pathogenic or benign to our knowledge